The following is an entry in ClinVar:

ClinVar aggregate classification (germline): Likely benign (0 of 4 stars; one submission).

Conditions:
FAAH2-related disorder. Also called: FAAH2-related condition.

Allele frequency attached by ClinVar (database versions not stated): gnomAD exomes below 0.00001; ExAC 0.00001; TOPMed 0.00001; gnomAD 0.00002; ESP Exome Variant Server 0.00009.
gnomAD v4.1: 3 of 1,207,718 alleles (0.00025%); highest among the groups gnomAD compares: African/African-American, 0.0035%; no homozygotes.

Submission:

PreventionGenetics, part of Exact Sciences
Classification: Likely benign for FAAH2-related condition. Last evaluated: 2022-06-22. Review status: no assertion criteria provided. Collection method: clinical testing. Allele origin: germline.
Comment: This variant is classified as likely benign based on ACMG/AMP sequence variant interpretation guidelines (Richards et al. 2015 PMID: 25741868, with internal and published modifications).

NM_174912.4(FAAH2):c.1398A>T (p.Thr466=)

Gene: FAAH2 (fatty acid amide hydrolase 2; plus strand). Cytogenetic location: Xp11.21.
Variant type: single nucleotide variant.
Coding change: c.1398A>T on transcript NM_174912.4 (MANE Select); coding-DNA position 1398, A replaced by T.
Protein change: p.Thr466=; no amino-acid change (threonine 466 retained).
Molecular consequence: synonymous variant. On other transcripts: non-coding transcript variant (2).
Genome position (GRCh38, 1-based): chrX:57,448,693, A>T. VCF-style: chrX-57448693-A-T. GRCh37 (hg19) VCF-style: chrX-57475126-A-T.
Other names: c.1278A>T, p.Thr426= (NM_001353840.1); c.1188A>T, p.Thr396= (NM_001353841.1).
Identifiers: ClinVar variation 3044467 (VCV003044467.2), dbSNP rs375354837, ClinGen allele CA10430918.